The following is an entry in ClinVar:

ClinVar aggregate classification (germline): Uncertain significance. Review status: criteria provided, multiple submitters, no conflicts (2 of 4 stars). 2 submissions from 2 submitters: Uncertain significance (2). Last evaluated 2026-01-09.

Conditions:
Facioscapulohumeral muscular dystrophy 2 (FSHD2). Also called: MUSCULAR DYSTROPHY, FACIOSCAPULOHUMERAL, TYPE 1B; FACIOSCAPULOHUMERAL MUSCULAR DYSTROPHY 2, DIGENIC; FSHD2, DIGENIC. Identifiers: Orphanet 269, MedGen C1834671, MONDO:0008031, OMIM 158901.

Allele frequency attached by ClinVar (database versions not stated): gnomAD exomes below 0.00001; gnomAD 0.00001.

Submissions (2):

Labcorp Genetics (formerly Invitae), Labcorp
Classification: Uncertain significance for Facioscapulohumeral muscular dystrophy 2. Last evaluated: 2026-01-09. Review status: criteria provided, single submitter. Criteria: Invitae Variant Classification Sherloc (09022015). Collection method: clinical testing. Allele origin: germline.
Comment: This sequence change falls in intron 22 of the SMCHD1 gene. It does not directly change the encoded amino acid sequence of the SMCHD1 protein. It affects a nucleotide within the consensus splice site. This variant is present in population databases (no rsID available, gnomAD 0.01%). This variant has not been reported in the literature in individuals affected with SMCHD1-related conditions. ClinVar contains an entry for this variant (Variation ID: 2501472). Variants that disrupt the consensus splice site are a relatively common cause of aberrant splicing (PMID: 17576681, 9536098). In summary, the available evidence is currently insufficient to determine the role of this variant in disease. Therefore, it has been classified as a Variant of Uncertain Significance.

GeneDx
Classification: Uncertain significance. Last evaluated: 2025-04-26. Review status: criteria provided, single submitter. Criteria: GeneDx Variant Classification Process June 2021. Collection method: clinical testing. Allele origin: germline. Affected: yes.
Comment: In silico analysis supports a deleterious effect on splicing; Has not been previously published as pathogenic or benign to our knowledge

Literature cited by the submitters: PubMed 17576681 (cited by Labcorp Genetics (formerly Invitae), Labcorp); PubMed 9536098 (cited by Labcorp Genetics (formerly Invitae), Labcorp).

NM_015295.3(SMCHD1):c.2772_2773+2dup

Gene: SMCHD1 (structural maintenance of chromosomes flexible hinge domain containing 1; plus strand). Cytogenetic location: 18p11.32.
Variant type: Duplication.
Coding change: c.2772_2773+2dup on transcript NM_015295.3 (MANE Select); coding-DNA position 2772 through the canonical splice donor site of the intron after coding-DNA position 2773, 4 bases duplicated (TGGT; older notation c.2772_2773+2dupTGGT).
Molecular consequence: splice donor variant.
Genome position (GRCh38, 1-based): chr18:2,726,523-2,726,526, TGGT duplicated. VCF-style (leftmost placement, unchanged base first): chr18-2726522-C-CTGGT. GRCh37 (hg19) VCF-style: chr18-2726520-C-CTGGT.
Identifiers: ClinVar variation 2501472 (VCV002501472.3), dbSNP rs1260849066, ClinGen allele CA628044103.